The following is an entry in ClinVar:

NM_005045.4(RELN):c.6167_6172dup (p.Leu2057_Cys2058insSerLeu)

Gene: RELN (reelin; minus strand). Cytogenetic location: 7q22.1.
Variant type: Duplication.
Coding change: c.6167_6172dup on transcript NM_005045.4 (MANE Select); coding-DNA positions 6167 to 6172, 6 bases duplicated (CCCTCT; older notation c.6167_6172dupCCCTCT).
Protein change: p.Leu2057_Cys2058insSerLeu.
Molecular consequence: inframe insertion.
Genome position (GRCh38, 1-based): chr7:103,551,197-103,551,202, AGAGGG duplicated on the plus strand (CCCTCT on the coding strand, the reverse complement: RELN is on the minus strand). VCF-style (leftmost placement, unchanged base first): chr7-103551196-C-CAGAGGG. GRCh37 (hg19) VCF-style: chr7-103191643-C-CAGAGGG.
Other names: c.6167_6172dup, p.Leu2057_Cys2058insSerLeu (NM_173054.3).
Identifiers: ClinVar variation 2672230 (VCV002672230.1), dbSNP rs2484717507, ClinGen allele CA2695199603.

ClinVar aggregate classification (germline): Uncertain significance (1 of 4 stars; one submission).

Submission:

Clinical Genomics Laboratory, Washington University in St. Louis
Classification: Uncertain significance. Last evaluated: 2023-08-25. Review status: criteria provided, single submitter. Criteria: ACMG Guidelines, 2015. Collection method: clinical testing. Allele origin: germline.
Comment: The RELN c.6167_6172dup (p.Leu2057_Cys2058insSerLeu) variant, to our knowledge, has not been reported in the medical literature. This variant is absent from the general population (gnomAD v.2.1.1), indicating it is not a common variant. This variant occurs in an EGF domain and the spacing of cysteines is critical for domain function and this variant changes an in frame insertion of two amino acids, but the effect of this variant is unknown. Due to limited information, the clinical significance of this variant is uncertain.